The following is an entry in ClinVar:

NM_003036.4(SKI):c.75C>T (p.His25=)

Gene: SKI (SKI proto-oncogene; plus strand). Cytogenetic location: 1p36.33.
Variant type: single nucleotide variant.
Coding change: c.75C>T on transcript NM_003036.4 (MANE Select); coding-DNA position 75, C replaced by T.
Protein change: p.His25=; no amino-acid change (histidine 25 retained).
Molecular consequence: synonymous variant.
Genome position (GRCh38, 1-based): chr1:2,228,841, C>T. VCF-style: chr1-2228841-C-T. GRCh37 (hg19) VCF-style: chr1-2160280-C-T.
Identifiers: ClinVar variation 511227 (VCV000511227.12), dbSNP rs1486448334, ClinGen allele CA415774143.

ClinVar aggregate classification (germline): Likely benign. Review status: criteria provided, multiple submitters, no conflicts (2 of 4 stars). 3 submissions from 3 submitters: Likely benign (3). Last evaluated 2026-02-04.

Conditions:
Shprintzen-Goldberg syndrome (SGS). Also called: CRANIOSYNOSTOSIS WITH ARACHNODACTYLY AND ABDOMINAL HERNIAS; Marfanoid disorder with craniosynostosis type 1; Marfanoid craniosynostosis syndrome; Shprintzen-Goldberg marfanoid syndrome; SHPRINTZEN-GOLDBERG CRANIOSYNOSTOSIS SYNDROME. Identifiers: Orphanet 2462, MedGen C1321551, MONDO:0008426, OMIM 182212.
Familial thoracic aortic aneurysm and aortic dissection (TAAD). Also called: Thoracic aortic aneurysms and dissections. Identifiers: Orphanet 91387, MedGen C4707243, MONDO:0019625.

Allele frequency attached by ClinVar (database versions not stated): gnomAD exomes 0.00001; TOPMed 0.00002; gnomAD 0.00001.
gnomAD v4.1: 11 of 1,419,630 alleles (0.00077%); highest among the groups gnomAD compares: Admixed American, 0.0049%; no homozygotes.

Submissions (3):

Labcorp Genetics (formerly Invitae), Labcorp
Classification: Likely benign for Shprintzen-Goldberg syndrome. Last evaluated: 2026-02-04. Review status: criteria provided, single submitter. Criteria: Invitae Variant Classification Sherloc (09022015). Collection method: clinical testing. Allele origin: germline.

Ambry Genetics
Classification: Likely benign for Familial thoracic aortic aneurysm and aortic dissection. Last evaluated: 2019-09-09. Review status: criteria provided, single submitter. Criteria: Ambry Variant Classification Scheme 2023. Collection method: clinical testing. Allele origin: germline.

GeneDx
Classification: Likely benign. Last evaluated: 2017-08-07. Review status: criteria provided, single submitter. Criteria: GeneDx Variant Classification (06012015). Collection method: clinical testing. Allele origin: germline. Affected: yes.
Comment: This variant is considered likely benign or benign based on one or more of the following criteria: it is a conservative change, it occurs at a poorly conserved position in the protein, it is predicted to be benign by multiple in silico algorithms, and/or has population frequency not consistent with disease.